The following is an entry in ClinVar:

NM_003394.4(WNT10B):c.798A>G (p.Pro266=)

Gene: WNT10B (Wnt family member 10B; minus strand). Cytogenetic location: 12q13.12.
Variant type: single nucleotide variant.
Coding change: c.798A>G on transcript NM_003394.4 (MANE Select); coding-DNA position 798, A replaced by G.
Protein change: p.Pro266=; no amino-acid change (proline 266 retained).
Molecular consequence: synonymous variant.
Genome position (GRCh38, 1-based): chr12:48,966,467, T>C on the plus strand (A>G on the coding strand, the complement: WNT10B is on the minus strand). VCF-style: chr12-48966467-T-C. GRCh37 (hg19) VCF-style: chr12-49360250-T-C.
Identifiers: ClinVar variation 3035750 (VCV003035750.2), dbSNP rs201436766, ClinGen allele CA6544097.

ClinVar aggregate classification (germline): Likely benign (0 of 4 stars; one submission).

Conditions:
WNT10B-related disorder. Also called: WNT10B-related condition.

Allele frequency attached by ClinVar (database versions not stated): gnomAD 0.00002; TOPMed 0.00002; ExAC 0.00003; gnomAD exomes 0.00007; 1000 Genomes Project 30x 0.00016; 1000 Genomes Project 0.00020.
gnomAD v4.1: 103 of 1,614,028 alleles (0.0064%); highest among the groups gnomAD compares: Non-Finnish European, 0.0086%; no homozygotes.

Submission:

PreventionGenetics, part of Exact Sciences
Classification: Likely benign for WNT10B-related condition. Last evaluated: 2019-08-01. Review status: no assertion criteria provided. Collection method: clinical testing. Allele origin: germline.
Comment: This variant is classified as likely benign based on ACMG/AMP sequence variant interpretation guidelines (Richards et al. 2015 PMID: 25741868, with internal and published modifications).